The following is an entry in ClinVar:

NM_000051.4(ATM):c.5591C>G (p.Thr1864Arg)

Gene: ATM (ATM serine/threonine kinase; plus strand). Cytogenetic location: 11q22.3.
Variant type: single nucleotide variant.
Coding change: c.5591C>G on transcript NM_000051.4 (MANE Select); coding-DNA position 5591, C replaced by G.
Protein change: p.Thr1864Arg; replaces threonine 1864 with arginine.
Molecular consequence: missense variant.
Genome position (GRCh38, 1-based): chr11:108,304,769, C>G. VCF-style: chr11-108304769-C-G. GRCh37 (hg19) VCF-style: chr11-108175496-C-G.
Other names: c.5591C>G, p.Thr1864Arg (NM_001351834.2); short protein forms T1864R.
Identifiers: ClinVar variation 453588 (VCV000453588.14), dbSNP rs779156037, ClinGen allele CA382546184.

ClinVar aggregate classification (germline): Uncertain significance. Review status: criteria provided, multiple submitters, no conflicts (2 of 4 stars). 3 submissions from 3 submitters: Uncertain significance (3). Last evaluated 2025-05-06.

Conditions:
Hereditary cancer-predisposing syndrome. Also called: Tumor predisposition; Hereditary Cancer Syndrome; Neoplastic Syndromes, Hereditary; Hereditary neoplastic syndrome. Identifiers: Orphanet 140162, MedGen C0027672, MeSH D009386, MONDO:0015356.
Ataxia-telangiectasia syndrome (AT). Also called: Cerebello-oculocutaneous telangiectasia; Immunodeficiency with ataxia telangiectasia; Ataxia-telangiectasia, complementation group D; AT, COMPLEMENTATION GROUP C; Ataxia-telangiectasia, complementation group E; LOUIS-BAR SYNDROME. Identifiers: Orphanet 100, MedGen C0004135, MONDO:0008840, OMIM 208900.

Submissions (3):

Labcorp Genetics (formerly Invitae), Labcorp
Classification: Uncertain significance for Ataxia-telangiectasia syndrome. Last evaluated: 2025-05-06. Review status: criteria provided, single submitter. Criteria: Invitae Variant Classification Sherloc (09022015). Collection method: clinical testing. Allele origin: germline.
Comment: This sequence change replaces threonine, which is neutral and polar, with arginine, which is basic and polar, at codon 1864 of the ATM protein (p.Thr1864Arg). This variant is not present in population databases (gnomAD no frequency). This variant has not been reported in the literature in individuals affected with ATM-related conditions. ClinVar contains an entry for this variant (Variation ID: 453588). Invitae Evidence Modeling of protein sequence and biophysical properties (such as structural, functional, and spatial information, amino acid conservation, physicochemical variation, residue mobility, and thermodynamic stability) indicates that this missense variant is not expected to disrupt ATM protein function with a negative predictive value of 95%. In summary, the available evidence is currently insufficient to determine the role of this variant in disease. Therefore, it has been classified as a Variant of Uncertain Significance.

Ambry Genetics
Classification: Uncertain significance for Hereditary cancer-predisposing syndrome. Last evaluated: 2024-06-17. Review status: criteria provided, single submitter. Criteria: Ambry Variant Classification Scheme 2023. Collection method: clinical testing. Allele origin: germline.
Comment: The p.T1864R variant (also known as c.5591C>G), located in coding exon 36 of the ATM gene, results from a C to G substitution at nucleotide position 5591. The threonine at codon 1864 is replaced by arginine, an amino acid with similar properties. This amino acid position is not well conserved in available vertebrate species. In addition, this alteration is predicted to be tolerated by in silico analysis. Based on the available evidence, the clinical significance of this variant remains unclear.

Color Diagnostics, LLC DBA Color Health
Classification: Uncertain significance for Hereditary cancer-predisposing syndrome. Last evaluated: 2023-12-08. Review status: criteria provided, single submitter. Criteria: ACMG Guidelines, 2015. Collection method: clinical testing. Allele origin: germline.
Comment: This missense variant replaces threonine with arginine at codon 1864 of the ATM protein. Computational prediction suggests that this variant may not impact protein structure and function. To our knowledge, functional studies have not been reported for this variant. This variant has not been reported in individuals affected with ATM-related disorders in the literature. This variant has not been identified in the general population by the Genome Aggregation Database (gnomAD). The available evidence is insufficient to determine the role of this variant in disease conclusively. Therefore, this variant is classified as a Variant of Uncertain Significance.